The following is an entry in ClinVar:

ClinVar aggregate classification (germline): Conflicting classifications of pathogenicity. Review status: criteria provided, conflicting classifications (1 of 4 stars). 4 submissions from 4 submitters: Pathogenic (1); Likely pathogenic (1); Uncertain significance (1). 1 of the submissions does not count toward it. Last evaluated 2025-04-30.

Conditions:
Maple syrup urine disease type 1A (MSUD1A). Also called: MSUD type 1A. Identifiers: MedGen C1855369, MONDO:0023691, OMIM 248600.
Maple syrup urine disease (MSUD). Identifiers: Orphanet 511, MedGen C0024776, MeSH D008375, MONDO:0009563. Disease mechanism: loss of function.

Submissions (4):

Women's Health and Genetics/Laboratory Corporation of America, LabCorp
Classification: Uncertain significance. Last evaluated: 2025-04-30. Review status: criteria provided, single submitter. Criteria: LabCorp Variant Classification Summary - May 2015. Collection method: clinical testing. Allele origin: germline.
Comment: Variant summary: BCKDHB c.293T>G (p.Val98Gly) results in a non-conservative amino acid change in the encoded protein sequence. Five of five in-silico tools predict a damaging effect of the variant on protein function. The variant was absent in 251058 control chromosomes (gnomAD). c.293T>G has been observed in individuals affected with Maple Syrup Urine Disease (Gupta_2015). These data indicate that the variant may be associated with disease. To our knowledge, no experimental evidence demonstrating an impact on protein function has been reported. The following publication has been ascertained in the context of this evaluation (PMID: 26257134). ClinVar contains an entry for this variant (Variation ID: 224054). Based on the evidence outlined above, the variant was classified as VUS-possibly pathogenic.

Genome-Nilou Lab
Classification: Likely pathogenic for Maple syrup urine disease type 1A. Last evaluated: 2021-11-07. Review status: criteria provided, single submitter. Criteria: ACMG Guidelines, 2015. Collection method: clinical testing. Allele origin: germline. Affected: no.

Institute of Medical Genetics and Genomics, Sir Ganga Ram Hospital
Classification: Pathogenic for Maple syrup urine disease type 1A. Last evaluated: 2011-01-01. Review status: criteria provided, single submitter. Criteria: Submitter's publication. Collection method: research. Allele origin: germline. Affected: yes. Observed: 3 variant alleles.
Comment: Heterozygous in 3 patients

Counsyl
Classification: Uncertain significance for Maple syrup urine disease type 1A. Last evaluated: 2017-07-24. Review status: no assertion criteria provided. Collection method: clinical testing. Allele origin: unknown. Not counted in ClinVar's aggregate classification.

Literature cited by the submitters: PubMed 26257134 (cited by Women's Health and Genetics/Laboratory Corporation of America, LabCorp and Counsyl).

NM_183050.4(BCKDHB):c.293T>G (p.Val98Gly)

Gene: BCKDHB (branched chain keto acid dehydrogenase E1 subunit beta; plus strand). Cytogenetic location: 6q14.1.
Variant type: single nucleotide variant.
Coding change: c.293T>G on transcript NM_183050.4 (MANE Select); coding-DNA position 293, T replaced by G.
Protein change: p.Val98Gly; replaces valine 98 with glycine.
Molecular consequence: missense variant. On other transcripts: non-coding transcript variant (1).
Genome position (GRCh38, 1-based): chr6:80,129,179, T>G. VCF-style: chr6-80129179-T-G. GRCh37 (hg19) VCF-style: chr6-80838896-T-G.
Other names: c.293T>G, p.Val98Gly (NM_000056.5); c.83T>G, p.Val28Gly (NM_001318975.1); short protein forms V98G, V28G.
Identifiers: ClinVar variation 224054 (VCV000224054.7), dbSNP rs869312126, ClinGen allele CA354910.